The following is an entry in ClinVar:

ClinVar aggregate classification (germline): Uncertain significance (1 of 4 stars; one submission).

Conditions:
Short-rib thoracic dysplasia 14 with polydactyly (SRTD14). Identifiers: Orphanet 397715, MedGen C4225286, MONDO:0014688, OMIM 616546.
Joubert syndrome 23 (JBTS23). Identifiers: Orphanet 475, MedGen C4084822, MONDO:0014664, OMIM 616490.

Submission:

Labcorp Genetics (formerly Invitae), Labcorp
Classification: Uncertain significance for Joubert syndrome 23; Short-rib thoracic dysplasia 14 with polydactyly. Last evaluated: 2023-11-06. Review status: criteria provided, single submitter. Criteria: Invitae Variant Classification Sherloc (09022015). Collection method: clinical testing. Allele origin: germline.
Comment: This sequence change replaces methionine, which is neutral and non-polar, with valine, which is neutral and non-polar, at codon 800 of the KIAA0586 protein (p.Met800Val). This variant is not present in population databases (gnomAD no frequency). This variant has not been reported in the literature in individuals affected with KIAA0586-related conditions. ClinVar contains an entry for this variant (Variation ID: 2168277). Advanced modeling of protein sequence and biophysical properties (such as structural, functional, and spatial information, amino acid conservation, physicochemical variation, residue mobility, and thermodynamic stability) performed at Invitae indicates that this missense variant is expected to disrupt KIAA0586 protein function with a positive predictive value of 80%. In summary, the available evidence is currently insufficient to determine the role of this variant in disease. Therefore, it has been classified as a Variant of Uncertain Significance.

NM_001329943.3(KIAA0586):c.2239A>G (p.Met747Val)

Gene: KIAA0586 (KIAA0586; plus strand). Cytogenetic location: 14q23.1.
Variant type: single nucleotide variant.
Coding change: c.2239A>G on transcript NM_001329943.3 (MANE Select); coding-DNA position 2239, A replaced by G.
Protein change: p.Met747Val; replaces methionine 747 with valine.
Molecular consequence: missense variant.
Genome position (GRCh38, 1-based): chr14:58,466,014, A>G. VCF-style: chr14-58466014-A-G. GRCh37 (hg19) VCF-style: chr14-58932732-A-G.
Other names: c.2239A>G, p.Met747Val (NM_001329947.2, NM_001329944.2, NM_001329946.2); c.1984A>G, p.Met662Val (NM_001364700.1, NM_001364701.2, NM_001244191.2 and 1 more transcripts); c.2011A>G, p.Met671Val (NM_014749.5); c.2398A>G, p.Met800Val (NM_001244189.2); c.2194A>G, p.Met732Val (NM_001244190.2); c.2107A>G, p.Met703Val (NM_001244192.2); c.1819A>G, p.Met607Val (NM_001244193.2); short protein forms M607V, M800V, M747V, M662V, M732V, M671V, M703V.
Identifiers: ClinVar variation 2168277 (VCV002168277.4), dbSNP rs1368572810, ClinGen allele CA389874380.